The following is an entry in ClinVar:

NM_198904.4(GABRG2):c.1014T>C (p.Phe338=)

Gene: GABRG2 (gamma-aminobutyric acid type A receptor subunit gamma2; plus strand). Cytogenetic location: 5q34.
Variant type: single nucleotide variant.
Coding change: c.1014T>C on transcript NM_198904.4 (MANE Select); coding-DNA position 1014, T replaced by C.
Protein change: p.Phe338=; no amino-acid change (phenylalanine 338 retained).
Molecular consequence: synonymous variant. On other transcripts: intron variant (1).
Genome position (GRCh38, 1-based): chr5:162,149,199, T>C. VCF-style: chr5-162149199-T-C. GRCh37 (hg19) VCF-style: chr5-161576205-T-C.
Other names: c.1014T>C, p.Phe338= (NM_000816.3); c.1005T>C, p.Phe335= (NM_001375339.1); c.1011T>C, p.Phe337= (NM_001375341.1, NM_001375342.1); c.1134T>C, p.Phe378= (NM_001375343.1, NM_198903.2); c.1053T>C, p.Phe351= (NM_001375344.1); c.948T>C, p.Phe316= (NM_001375345.1, NM_001375346.1); c.927T>C, p.Phe309= (NM_001375347.1); c.594T>C, p.Phe198= (NM_001375348.1, NM_001375350.1); and 2 more.
Identifiers: ClinVar variation 382933 (VCV000382933.5), dbSNP rs1057521488, ClinGen allele CA16604858.
Genomic context (GRCh38, chr5:162,149,199, plus strand): 5'-CAGCACCATTGCCCGGAAATCGCTCCCCAAGGTCTCCTATGTCACAGCGATGGATCTCTT[T>C]GTATCTGTTTGTTTCATCTTTGTCTTCTCTGCTCTGGTGGAGTATGGCACCTTGCATTAT-3'
Protein context (NP_944494.1, residues 328-348): KVSYVTAMDL[Phe338=]VSVCFIFVFS

ClinVar aggregate classification (germline): Likely benign. Review status: criteria provided, multiple submitters, no conflicts (2 of 4 stars). 3 submissions from 3 submitters: Likely benign (3). Last evaluated 2025-09-27.

Conditions:
Febrile seizures, familial, 8 (FEB8). Also called: CONVULSIONS, FAMILIAL FEBRILE, 8. Identifiers: Orphanet 36387, MedGen C1969810, MONDO:0011891, OMIM 607681.
EPILEPSY, CHILDHOOD ABSENCE, SUSCEPTIBILITY TO, 2 (ECA2). Identifiers: Orphanet 64280, MedGen C1843244, OMIM 607681.

Allele frequency attached by ClinVar (database versions not stated): gnomAD exomes below 0.00001 and 0.00001; TOPMed below 0.00001; gnomAD 0.00001.
gnomAD v4.1: 4 of 1,614,052 alleles (0.00025%); highest among the groups gnomAD compares: African/African-American, 0.0013%; no homozygotes.

Submissions (3):

Labcorp Genetics (formerly Invitae), Labcorp
Classification: Likely benign for Febrile seizures, familial, 8; EPILEPSY, CHILDHOOD ABSENCE, SUSCEPTIBILITY TO, 2. Last evaluated: 2025-09-27. Review status: criteria provided, single submitter. Criteria: Invitae Variant Classification Sherloc (09022015). Collection method: clinical testing. Allele origin: germline.

Blueprint Genetics
Classification: Likely benign. Last evaluated: 2019-10-30. Review status: criteria provided, single submitter. Criteria: ACMG Guidelines, 2015. Collection method: clinical testing. Allele origin: germline.

GeneDx
Classification: Likely benign. Last evaluated: 2016-01-20. Review status: criteria provided, single submitter. Criteria: GeneDx Variant Classification (06012015). Collection method: clinical testing. Allele origin: germline. Affected: yes.
Comment: This variant is considered likely benign or benign based on one or more of the following criteria: it is a conservative change, it occurs at a poorly conserved position in the protein, it is predicted to be benign by multiple in silico algorithms, and/or has population frequency not consistent with disease.